The following is an entry in ClinVar:

NM_003458.4(BSN):c.3494C>A (p.Thr1165Asn)

Gene: BSN (bassoon presynaptic cytomatrix protein; plus strand). Cytogenetic location: 3p21.31.
Variant type: single nucleotide variant.
Coding change: c.3494C>A on transcript NM_003458.4 (MANE Select); coding-DNA position 3494, C replaced by A.
Protein change: p.Thr1165Asn; replaces threonine 1165 with asparagine.
Molecular consequence: missense variant.
Genome position (GRCh38, 1-based): chr3:49,653,050, C>A. VCF-style: chr3-49653050-C-A. GRCh37 (hg19) VCF-style: chr3-49690483-C-A.
Other names: short protein forms T1165N.
Identifiers: ClinVar variation 4975873 (VCV004975873.1).

ClinVar aggregate classification (germline): Uncertain significance (1 of 4 stars; one submission).

Submission:

GeneDx
Classification: Uncertain significance. Last evaluated: 2026-02-05. Review status: criteria provided, single submitter. Criteria: GeneDx Variant Classification Process June 2021. Collection method: clinical testing. Allele origin: germline.
Comment: Not observed at significant frequency in large population cohorts (gnomAD); In silico analysis supports that this missense variant has a deleterious effect on protein structure/function; Has not been previously published as pathogenic or benign to our knowledge